The following is an entry in ClinVar:

ClinVar aggregate classification (germline): Uncertain significance (1 of 4 stars; one submission).

Conditions:
TNFSF11-related disorder. Also called: TNFSF11-related condition.

Submission:

PreventionGenetics, part of Exact Sciences
Classification: Uncertain significance for TNFSF11-related condition. Last evaluated: 2023-08-24. Review status: criteria provided, single submitter. Criteria: ACMG Guidelines, 2015. Collection method: clinical testing. Allele origin: germline.
Comment: The TNFSF11 c.387+1G>A variant is predicted to disrupt the GT donor site and interfere with normal splicing. To our knowledge, this variant has not been reported in the literature or in a large population database, indicating this variant is rare. Only three truncating variants have been reported downstream of this variant in Human Gene Mutation Database. Although we suspect that this variant may be pathogenic, at this time, the clinical significance of this variant is uncertain due to the absence of conclusive functional and genetic evidence.

NM_003701.4(TNFSF11):c.387+1G>A

Genes: TNFSF11 (TNF superfamily member 11; plus strand), LOC126861752 (BRD4-independent group 4 enhancer GRCh37_chr13:43155073-43156272; plus strand). Cytogenetic location: 13q14.11.
Variant type: single nucleotide variant.
Coding change: c.387+1G>A on transcript NM_003701.4 (MANE Select); the canonical splice donor site of the intron after coding-DNA position 387, G replaced by A.
Molecular consequence: splice donor variant.
Genome position (GRCh38, 1-based): chr13:42,581,294, G>A. VCF-style: chr13-42581294-G-A. GRCh37 (hg19) VCF-style: chr13-43155430-G-A.
Other names: c.168+1G>A (NM_033012.4).
Identifiers: ClinVar variation 2634819 (VCV002634819.1), dbSNP rs2500712838, ClinGen allele CA388214951.